The following is an entry in ClinVar:

NM_005876.5(SPEG):c.9240C>A (p.His3080Gln)

Genes: ASIC4-AS1 (ASIC4 antisense RNA 1; minus strand), SPEG (striated muscle enriched protein kinase; plus strand). Cytogenetic location: 2q35.
Variant type: single nucleotide variant.
Coding change: c.9240C>A on transcript NM_005876.5 (MANE Select); coding-DNA position 9240, C replaced by A.
Protein change: p.His3080Gln; replaces histidine 3080 with glutamine.
Molecular consequence: missense variant.
Genome position (GRCh38, 1-based): chr2:219,490,811, C>A. VCF-style: chr2-219490811-C-A. GRCh37 (hg19) VCF-style: chr2-220355533-C-A.
Other names: short protein forms H3080Q.
Identifiers: ClinVar variation 2135728 (VCV002135728.4), dbSNP rs56181765, ClinGen allele CA350715271.

ClinVar aggregate classification (germline): Uncertain significance (1 of 4 stars; one submission).

Submission:

Labcorp Genetics (formerly Invitae), Labcorp
Classification: Uncertain significance. Last evaluated: 2022-05-15. Review status: criteria provided, single submitter. Criteria: Invitae Variant Classification Sherloc (09022015). Collection method: clinical testing. Allele origin: germline.
Comment: In summary, the available evidence is currently insufficient to determine the role of this variant in disease. Therefore, it has been classified as a Variant of Uncertain Significance. Algorithms developed to predict the effect of missense changes on protein structure and function (SIFT, PolyPhen-2, Align-GVGD) all suggest that this variant is likely to be tolerated. This variant has not been reported in the literature in individuals affected with SPEG-related conditions. This variant is not present in population databases (gnomAD no frequency). This sequence change replaces histidine, which is basic and polar, with glutamine, which is neutral and polar, at codon 3080 of the SPEG protein (p.His3080Gln).